The following is an entry in ClinVar:

ClinVar aggregate classification (germline): Pathogenic. Review status: criteria provided, multiple submitters, no conflicts (2 of 4 stars). 5 submissions from 5 submitters: Pathogenic (5). Last evaluated 2025-12-13.

Conditions:
Wilson disease (WND). Also called: Wilson's disease. Identifiers: Orphanet 905, MedGen C0019202, MONDO:0010200, OMIM 277900. Disease mechanism: loss of function.

Submissions (5):

Labcorp Genetics (formerly Invitae), Labcorp
Classification: Pathogenic for Wilson disease. Last evaluated: 2025-12-13. Review status: criteria provided, single submitter. Criteria: Invitae Variant Classification Sherloc (09022015). Collection method: clinical testing. Allele origin: germline.
Comment: This sequence change creates a premature translational stop signal (p.Lys1248Thrfs*83) in the ATP7B gene. It is expected to result in an absent or disrupted protein product. Loss-of-function variants in ATP7B are known to be pathogenic (PMID: 10441329, 16283883). This variant is present in population databases (no rsID available, gnomAD 0.002%). This premature translational stop signal has been observed in individual(s) with Wilson disease (PMID: 17949296). This variant is also known as c.3742-3743insCA. For these reasons, this variant has been classified as Pathogenic.

Mayo Clinic Laboratories, Mayo Clinic
Classification: Pathogenic. Last evaluated: 2024-09-24. Review status: criteria provided, single submitter. Criteria: ACMG Guidelines, 2015. Collection method: clinical testing. Allele origin: germline. Observed: 1 variant allele.
Comment: PP4, PM2, PM3, PVS1

Fulgent Genetics
Classification: Pathogenic for Wilson disease. Last evaluated: 2024-05-07. Review status: criteria provided, single submitter. Criteria: ACMG Guidelines, 2015. Collection method: clinical testing. Allele origin: germline.

Baylor Genetics
Classification: Pathogenic for Wilson disease. Last evaluated: 2023-07-11. Review status: criteria provided, single submitter. Criteria: ACMG Guidelines, 2015. Collection method: clinical testing. Allele origin: unknown.

Women's Health and Genetics/Laboratory Corporation of America, LabCorp
Classification: Pathogenic for Wilson disease. Last evaluated: 2023-01-29. Review status: criteria provided, single submitter. Criteria: LabCorp Variant Classification Summary - May 2015. Collection method: clinical testing. Allele origin: germline.
Comment: Variant summary: ATP7B c.3741_3742dupCA (p.Lys1248ThrfsX83) results in a premature termination codon, predicted to cause a truncation of the encoded protein or absence of the protein due to nonsense mediated decay, which are commonly known mechanisms for disease. Truncations downstream of this position have been classified as pathogenic by our laboratory. The variant allele was found at a frequency of 4e-06 in 249574 control chromosomes (gnomAD). c.3741_3742dupCA has been reported in the literature in multiple individuals affected with Wilson Disease (e.g. Lepori_2007, Ferenci_2019, Yi_2020). These data indicate that the variant is very likely to be associated with disease. To our knowledge, no experimental evidence demonstrating an impact on protein function has been reported. One ClinVar submitter has assessed the variant since 2014: the variant was classified as pathogenic. Based on the evidence outlined above, the variant was classified as pathogenic.

Literature cited by the submitters: PubMed 10441329 (cited by Labcorp Genetics (formerly Invitae), Labcorp); PubMed 16283883 (cited by Labcorp Genetics (formerly Invitae), Labcorp); PubMed 17949296 (cited by 3 submitters); PubMed 27147115 (cited by Mayo Clinic Laboratories, Mayo Clinic); PubMed 30232804 (cited by Mayo Clinic Laboratories, Mayo Clinic and Women's Health and Genetics/Laboratory Corporation of America, LabCorp); PubMed 32685348 (cited by Mayo Clinic Laboratories, Mayo Clinic and Women's Health and Genetics/Laboratory Corporation of America, LabCorp); PubMed 35758105 (cited by Mayo Clinic Laboratories, Mayo Clinic); PubMed 38149214 (cited by Mayo Clinic Laboratories, Mayo Clinic).

NM_000053.4(ATP7B):c.3741_3742dup (p.Lys1248fs)

Gene: ATP7B (ATPase copper transporting beta; minus strand). Cytogenetic location: 13q14.3.
Variant type: Microsatellite.
Coding change: c.3741_3742dup on transcript NM_000053.4 (MANE Select); coding-DNA positions 3741 to 3742, 2 bases duplicated (CA; older notation c.3741_3742dupCA).
Protein change: p.Lys1248fs; shifts the reading frame from lysine 1248.
Molecular consequence: frameshift variant.
Genome position (GRCh38, 1-based): chr13:51,937,637-51,937,638, TG duplicated on the plus strand (CA on the coding strand, the reverse complement: ATP7B is on the minus strand); duplicating any 2 consecutive bases within chr13:51,937,637-51,937,640 gives the same sequence; the c. name uses the placement nearest the transcript's 3' end. VCF-style (leftmost placement, unchanged base first): chr13-51937636-T-TTG. GRCh37 (hg19) VCF-style: chr13-52511772-T-TTG.
Other names: p.Lys1248Thrfs*83; c.3741_3742dupCA (NM_000053.3); c.3120_3121dup, p.Lys1041fs (NM_001005918.3); c.3408_3409dup, p.Lys1137fs (NM_001243182.2); c.3507_3508dup, p.Lys1170fs (NM_001330578.2); c.3489_3490dup, p.Lys1164fs (NM_001330579.2); short protein forms K1041fs, K1137fs, K1164fs, K1170fs, K1248fs.
Identifiers: ClinVar variation 1456045 (VCV001456045.13), dbSNP rs1462451206, ClinGen allele CA610425734.
Genomic context (GRCh38, chr13:51,937,636, plus strand): 5'-CCATCCCCCACCATGGCGACTTTCTTCCCTTTATTCTGGAGCTCCTGGACCTTGGCCACC[T>TTG]TGTGCGAAGGCAGCACCTCTGCAAAGACTTTGTTGATGCCAACCTAAGACAAAAGGAAGG-3'